The following is an entry in ClinVar:

ClinVar aggregate classification (germline): Uncertain significance (1 of 4 stars; one submission).

Conditions:
Cystic fibrosis (CF). Also called: MUCOVISCIDOSIS. Identifiers: Orphanet 586, MedGen C0010674, MONDO:0009061, OMIM 219700. Disease mechanism: loss of function.

gnomAD v4.1: 1 of 1,613,150 alleles (0.000062%); highest among the groups gnomAD compares: Admixed American, 0.0017%; no homozygotes.

Submission:

Ambry Genetics
Classification: Uncertain significance for Cystic fibrosis. Last evaluated: 2024-05-20. Review status: criteria provided, single submitter. Criteria: Ambry Variant Classification Scheme 2023. Collection method: clinical testing. Allele origin: germline.
Comment: The p.V1212A variant (also known as c.3635T>C), located in coding exon 22 of the CFTR gene, results from a T to C substitution at nucleotide position 3635. The valine at codon 1212 is replaced by alanine, an amino acid with similar properties. This amino acid position is conserved. In addition, this alteration is predicted to be deleterious by in silico analysis. Based on the available evidence, the clinical significance of this variant remains unclear.

NM_000492.4(CFTR):c.3635T>C (p.Val1212Ala)

Genes: CFTR (CF transmembrane conductance regulator; plus strand), CFTR-AS2 (CFTR antisense RNA 2; minus strand). Cytogenetic location: 7q31.2.
Variant type: single nucleotide variant.
Coding change: c.3635T>C on transcript NM_000492.4 (MANE Select); coding-DNA position 3635, T replaced by C.
Protein change: p.Val1212Ala; replaces valine 1212 with alanine.
Molecular consequence: missense variant.
Genome position (GRCh38, 1-based): chr7:117,627,688, T>C. VCF-style: chr7-117627688-T-C. GRCh37 (hg19) VCF-style: chr7-117267742-T-C.
Other names: short protein forms V1212A.
Identifiers: ClinVar variation 3266685 (VCV003266685.1).